The following is an entry in ClinVar:

ClinVar aggregate classification (germline): Pathogenic (0 of 4 stars; one submission).

Conditions:
Steinert myotonic dystrophy syndrome (DM1). Also called: STEINERT DISEASE; Myotonic dystrophy type 1; Dystrophia myotonica type 1; Steinert myotonic dystrophy; Steinert's disease. Identifiers: Orphanet 273, MedGen C3250443, MONDO:0008056, OMIM 160900.

Submission:

Institute of Molecular, Cell and Systems Biology, University of Glasgow
Classification: Pathogenic for Steinert myotonic dystrophy syndrome. Review status: no assertion criteria provided. Criteria: research. Collection method: research. Allele origin: germline. Inheritance: Autosomal dominant inheritance. Affected: yes. Observed: 1 heterozygote.
Comment: DMPK CTG repeat expansions greater than approximately 45-50 repeats are assumed to be pathogenic

This record is based on data published in PubMed 25052313, which reports only ClinVar accessions SCV000120188 and SCV000120189. The complete data set includes SCV000207445 - SCV000207579.

Literature cited by the submitters: PubMed 1346923; PubMed 1546326; PubMed 25052313.

NM_004409.5(DMPK):c.*224CTG[539]

Genes: DM1-AS (DM1 locus antisense RNA; plus strand), DMPK (DM1 protein kinase; minus strand), LOC107075317 (origin of replication in DMPK trinucleotide repeat region; plus strand), LOC109461477 (dystrophia myotonica protein kinase repeat instability region; plus strand). Cytogenetic location: 19q13.32.
Variant type: Microsatellite.
Coding change: c.*224CTG[539] on transcript NM_004409.5 (MANE Select); 539 copies in a row of the 3-base unit CTG starting at c.*224.
Molecular consequence: 3 prime UTR variant.
Genome position: GRCh38, VCF-style position (the base before the change): chr19:45,770,204. GRCh37 (hg19), VCF-style position (the base before the change): chr19:46,273,462.
Other names: DM1 CTG repeat expansion; c.*224CTG[539] (NM_001081560.3, NM_001288764.2, NM_001424165.1 and 1 more transcripts); c.*217CTG[539] (NM_001081562.3, NM_001288765.2, NM_001424162.1 and 2 more transcripts); c.*222_*224TGC[539] (NM_001081563.3); c.*369CTG[539] (NM_001288766.2, NM_001424164.1, NM_001424168.1).
Identifiers: ClinVar variation 188000 (VCV000188000.1), ClinGen allele CA915951823.